The following is an entry in ClinVar:

NM_000535.7(PMS2):c.220G>C (p.Gly74Arg)

Gene: PMS2 (PMS1 homolog 2, mismatch repair system component; minus strand). Cytogenetic location: 7p22.1.
Variant type: single nucleotide variant.
Coding change: c.220G>C on transcript NM_000535.7 (MANE Select); coding-DNA position 220, G replaced by C.
Protein change: p.Gly74Arg; replaces glycine 74 with arginine.
Molecular consequence: missense variant. On other transcripts: 5 prime UTR variant (9), non-coding transcript variant (1).
Genome position (GRCh38, 1-based): chr7:6,004,002, C>G on the plus strand (G>C on the coding strand, the complement: PMS2 is on the minus strand). VCF-style: chr7-6004002-C-G. GRCh37 (hg19) VCF-style: chr7-6043633-C-G.
Other names: c.220G>C (NM_000535.6); c.-186G>C (NM_001322003.2, NM_001322004.2, NM_001322005.2 and 3 more transcripts); c.220G>C, p.Gly74Arg (NM_001322006.2, NM_001322014.2); c.5G>C, p.Trp2Ser (NM_001322007.2, NM_001322008.2); c.-665G>C (NM_001322011.2, NM_001322012.2); c.-265G>C (NM_001322015.2); short protein forms G74R, W2S.
Identifiers: ClinVar variation 486943 (VCV000486943.30), dbSNP rs1554304979, ClinGen allele CA366744819.

ClinVar aggregate classification (germline): Pathogenic/Likely pathogenic. Review status: criteria provided, multiple submitters, no conflicts (2 of 4 stars). 8 submissions from 8 submitters: Pathogenic (1); Likely pathogenic (7). Last evaluated 2026-02-05.

Conditions:
PMS2-related disorder. Also called: PMS2-related condition.
Lynch syndrome 4 (LYNCH4). Also called: Colorectal cancer, hereditary nonpolyposis, type 4; Hereditary non-polyposis colorectal cancer, type 4. Identifiers: Orphanet 144, MedGen C1838333, MONDO:0013699, OMIM 614337. Disease mechanism: loss of function.
Hereditary nonpolyposis colon cancer (HNPCC). Also called: Hereditary nonpolyposis colorectal cancer; Familial nonpolyposis colon cancer; Hereditary Nonpolyposis Colorectal Cancer Syndrome. Identifiers: Orphanet 443909, MedGen C1333990, MONDO:0018630. Disease mechanism: loss of function.
Hereditary nonpolyposis colorectal neoplasms. Identifiers: MedGen C0009405, MeSH D003123.
Hereditary cancer-predisposing syndrome. Also called: Tumor predisposition; Hereditary Cancer Syndrome; Neoplastic Syndromes, Hereditary; Hereditary neoplastic syndrome. Identifiers: Orphanet 140162, MedGen C0027672, MeSH D009386, MONDO:0015356.
Lynch syndrome. Identifiers: Orphanet 144, MedGen C4552100, MONDO:0005835. Disease mechanism: loss of function.

Submissions (8):

Ambry Genetics
Classification: Likely pathogenic for Hereditary cancer-predisposing syndrome. Last evaluated: 2026-02-05. Review status: criteria provided, single submitter. Criteria: Ambry Variant Classification Scheme 2023. Collection method: clinical testing. Allele origin: germline.
Comment: The c.220G>C (p.G74R) alteration is located in exon 3 (coding exon 3) of the PMS2 gene. This alteration results from a G to C substitution at nucleotide position 220, causing the glycine (G) at amino acid position 74 to be replaced by an arginine (R). This variant was not reported in population-based cohorts in the Genome Aggregation Database (gnomAD). This alteration has been identified in individuals whose colorectal tumors displayed high microsatellite instability (MSI-H) and either absent or weak PMS2 staining on immunohistochemistry (Ambry Internal Data). This amino acid position is highly conserved in available vertebrate species. Based on an internal structural assessment, this alteration causes significant structural destabilization of the ATPase domain (Guarn&eacute;, 2001). This alteration is predicted to be deleterious by in silico analysis. Based on the available evidence, this alteration is classified as likely pathogenic.

Labcorp Genetics (formerly Invitae), Labcorp
Classification: Pathogenic for Hereditary nonpolyposis colorectal neoplasms. Last evaluated: 2025-09-03. Review status: criteria provided, single submitter. Criteria: Invitae Variant Classification Sherloc (09022015). Collection method: clinical testing. Allele origin: germline.
Comment: This sequence change replaces glycine, which is neutral and non-polar, with arginine, which is basic and polar, at codon 74 of the PMS2 protein (p.Gly74Arg). This variant is not present in population databases (gnomAD no frequency). This missense change has been observed in individuals with clinical features of Lynch syndrome and constitutional mismatch repair deficiency syndrome (internal data). ClinVar contains an entry for this variant (Variation ID: 486943). Invitae Evidence Modeling incorporating data from in vitro experimental studies (internal data) indicates that this missense variant is expected to disrupt PMS2 function with a positive predictive value of 95%. For these reasons, this variant has been classified as Pathogenic.

GeneDx
Classification: Likely pathogenic. Last evaluated: 2025-07-28. Review status: criteria provided, single submitter. Criteria: GeneDx Variant Classification Process June 2021. Collection method: clinical testing. Allele origin: germline. Affected: yes.
Comment: Not observed at significant frequency in large population cohorts (gnomAD); In silico analysis supports that this missense variant has a deleterious effect on protein structure/function; Has not been previously published as pathogenic or benign to our knowledge; This variant is associated with the following publications: (PMID: 11574484)

Quest Diagnostics Nichols Institute San Juan Capistrano
Classification: Likely pathogenic. Last evaluated: 2025-07-08. Review status: criteria provided, single submitter. Criteria: Quest Diagnostics criteria. Collection method: clinical testing. Allele origin: unknown.
Comment: The PMS2 c.220G>C (p.Gly74Arg) variant has not been reported in individuals with PMS2-related conditions in the published literature. This variant has been seen in individuals affected with a Lynch syndrome-associated cancer (internal patient; Invitae, Ambry Genetics, personal communication regarding ClinVar ID: 486943). It also has not been reported in large, multi-ethnic general populations (Genome Aggregation Database). Analysis of this variant using bioinformatics tools for the prediction of the effect of amino acid changes on protein structure and function yielded predictions that this variant is damaging. Based on the available information, this variant is classified as likely pathogenic.

Women's Health and Genetics/Laboratory Corporation of America, LabCorp
Classification: Likely pathogenic for Hereditary nonpolyposis colon cancer. Last evaluated: 2025-01-06. Review status: criteria provided, single submitter. Criteria: LabCorp Variant Classification Summary - May 2015. Collection method: clinical testing. Allele origin: germline.
Comment: Variant summary: PMS2 c.220G>C (p.Gly74Arg) results in a non-conservative amino acid change in the encoded protein sequence. Five of five in-silico tools predict a damaging effect of the variant on protein function. The variant was absent in 250824 control chromosomes (gnomAD). c.220G>C has been reported in the literature in individuals with clinical features of Lynch syndrome and constitutional mismatch repair deficiency syndrome (Labcorp, formerly Invitae and Ambry Genetics). To our knowledge, no experimental evidence demonstrating an impact on protein function has been reported. ClinVar contains an entry for this variant (Variation ID: 486943). Based on the evidence outlined above, the variant was classified as likely pathogenic.

Blueprint Genetics
Classification: Likely pathogenic for PMS2-related disorders. Last evaluated: 2024-05-23. Review status: criteria provided, single submitter. Criteria: ACMG Guidelines, 2015. Collection method: clinical testing. Allele origin: germline. Affected: yes. Observed: 1 variant allele.

Baylor Genetics
Classification: Likely pathogenic for Lynch syndrome 4. Last evaluated: 2023-10-04. Review status: criteria provided, single submitter. Criteria: ACMG Guidelines, 2015. Collection method: clinical testing. Allele origin: unknown.

All of Us Research Program, National Institutes of Health
Classification: Likely pathogenic for Lynch syndrome. Last evaluated: 2023-06-08. Review status: criteria provided, single submitter. Criteria: ACMG Guidelines, 2015. Collection method: clinical testing. Allele origin: germline. Inheritance: Autosomal dominant inheritance. Observed: 1 variant allele, 1 heterozygote.
Comment: This missense variant replaces glycine with arginine at codon 74 of the PMS2 protein. Computational prediction suggests that this variant may have deleterious impact on protein structure and function (internally defined REVEL score threshold >= 0.7, PMID: 27666373). To our knowledge, functional studies have not been reported for this variant, however Gly74 is a highly conserved amino acid in the ATP binding motif (PMID: 11574484). This variant has been observed in multiple individuals affected with colorectal cancer. having tumors with high microsatellite instablility or lacking PMS2 signal using immunohistochemistry (ClinVar Variation ID: 486943; SCV000676191.4, SCV000751189.6). The variant has also been observed in an individual with constitutional mismatch repair syndrome (ClinVar Variation ID: 486943; SCV000676191.4). This variant has not been identified in the general population by the Genome Aggregation Database (gnomAD). Based on the available evidence, this variant is classified as Likely Pathogenic.

This study involves interpretation of variants in research participants for the purpose of population health screening. Participant phenotype was not available at the time of variant classification. Additional details can be found in publication PMID: 35346344, PMCID: PMC8962531

Literature cited by the submitters: PubMed 11574484 (cited by Ambry Genetics and All of Us Research Program, National Institutes of Health).